The following is an entry in ClinVar:

ClinVar aggregate classification (germline): Uncertain significance (1 of 4 stars; one submission).

Submission:

Labcorp Genetics (formerly Invitae), Labcorp
Classification: Uncertain significance. Last evaluated: 2021-08-26. Review status: criteria provided, single submitter. Criteria: Invitae Variant Classification Sherloc (09022015). Collection method: clinical testing. Allele origin: germline.
Comment: This sequence change replaces arginine with cysteine at codon 831 of the CAD protein (p.Arg831Cys). The arginine residue is moderately conserved and there is a large physicochemical difference between arginine and cysteine. This variant is not present in population databases (ExAC no frequency). This variant has not been reported in the literature in individuals affected with CAD-related conditions. Algorithms developed to predict the effect of missense changes on protein structure and function are either unavailable or do not agree on the potential impact of this missense change (SIFT: "Deleterious"; PolyPhen-2: "Probably Damaging"; Align-GVGD: "Class C15"). In summary, the available evidence is currently insufficient to determine the role of this variant in disease. Therefore, it has been classified as a Variant of Uncertain Significance.

NM_004341.5(CAD):c.2491C>T (p.Arg831Cys)

Genes: CAD (carbamoyl-phosphate synthetase 2, aspartate transcarbamylase, and dihydroorotase; plus strand), LOC126806171 (BRD4-independent group 4 enhancer GRCh37_chr2:27454350-27455549; plus strand). Cytogenetic location: 2p23.3.
Variant type: single nucleotide variant.
Coding change: c.2491C>T on transcript NM_004341.5 (MANE Select); coding-DNA position 2491, C replaced by T.
Protein change: p.Arg831Cys; replaces arginine 831 with cysteine.
Molecular consequence: missense variant.
Genome position (GRCh38, 1-based): chr2:27,232,070, C>T. VCF-style: chr2-27232070-C-T. GRCh37 (hg19) VCF-style: chr2-27454938-C-T.
Other names: c.2302C>T, p.Arg768Cys (NM_001306079.2); short protein forms R768C, R831C.
Identifiers: ClinVar variation 1464685 (VCV001464685.5), dbSNP rs2148076311, ClinGen allele CA346211436.